The following is an entry in ClinVar:

ClinVar aggregate classification (germline): Benign/Likely benign. Review status: criteria provided, multiple submitters, no conflicts (2 of 4 stars). 3 submissions from 3 submitters: Benign (1); Likely benign (2). Last evaluated 2026-06-17.

Conditions:
Hereditary cancer-predisposing syndrome. Also called: Neoplastic Syndromes, Hereditary; Hereditary Cancer Syndrome; Hereditary neoplastic syndrome; Tumor predisposition. Identifiers: Orphanet 140162, MedGen C0027672, MeSH D009386, MONDO:0015356.
Polyps, multiple and recurrent inflammatory fibroid, gastrointestinal. Identifiers: MedGen C5193005, MONDO:0008285, OMIM 175510.
Gastrointestinal stromal tumor. Also called: Gastrointestinal stromal tumor, somatic; Gastrointestinal stroma tumor. Identifiers: Orphanet 44890, MedGen C0238198, MeSH D046152, MONDO:0011719, OMIM 606764, HP:0100723.

Allele frequency attached by ClinVar (database versions not stated): gnomAD 0.00001; TOPMed 0.00001.

Submissions (3):

Myriad Genetics, Inc.
Classification: Benign for Polyps, multiple and recurrent inflammatory fibroid, gastrointestinal. Last evaluated: 2026-06-17. Review status: criteria provided, single submitter. Criteria: Myriad Autosomal Dominant, Autosomal Recessive and X-Linked Classification Criteria (2023). Collection method: clinical testing. Allele origin: unknown.
Comment: This variant is considered benign. This variant is a silent/synonymous amino acid change and it is not expected to impact splicing.

Labcorp Genetics (formerly Invitae), Labcorp
Classification: Likely benign for Gastrointestinal stromal tumor. Last evaluated: 2025-11-24. Review status: criteria provided, single submitter. Criteria: Invitae Variant Classification Sherloc (09022015). Collection method: clinical testing. Allele origin: germline.

Ambry Genetics
Classification: Likely benign for Hereditary cancer-predisposing syndrome. Last evaluated: 2022-02-23. Review status: criteria provided, single submitter. Criteria: Ambry Variant Classification Scheme 2023. Collection method: clinical testing. Allele origin: germline.

NM_006206.6(PDGFRA):c.2349A>T (p.Ser783=)

Gene: PDGFRA (platelet derived growth factor receptor alpha; plus strand). Cytogenetic location: 4q12.
Variant type: single nucleotide variant.
Coding change: c.2349A>T on transcript NM_006206.6 (MANE Select); coding-DNA position 2349, A replaced by T.
Protein change: p.Ser783=; no amino-acid change (serine 783 retained).
Molecular consequence: synonymous variant.
Genome position (GRCh38, 1-based): chr4:54,285,396, A>T. VCF-style: chr4-54285396-A-T. GRCh37 (hg19) VCF-style: chr4-55151563-A-T.
Other names: c.2424A>T, p.Ser808= (NM_001347828.2); c.2349A>T, p.Ser783= (NM_001347829.2); c.2388A>T, p.Ser796= (NM_001347830.2).
Identifiers: ClinVar variation 722829 (VCV000722829.14), dbSNP rs1451985405, ClinGen allele CA439287647.
Genomic context (GRCh38, chr4:54,285,396, plus strand): 5'-TGCCAGCACCAATACATTTAATTTCTTTTCTGCAGACTCAGAAGTCAAAAACCTCCTTTC[A>T]GATGATAACTCAGAAGGCCTTACTTTATTGGATTTGTTGAGCTTCACCTATCAAGTTGCC-3'
Protein context (NP_006197.1, residues 773-793): MLDSEVKNLL[Ser783=]DDNSEGLTLL